The following is an entry in ClinVar:

ClinVar aggregate classification (germline): Uncertain significance. Review status: criteria provided, multiple submitters, no conflicts (2 of 4 stars). 2 submissions from 2 submitters: Uncertain significance (2). Last evaluated 2026-03-27.

Conditions:
Cardiovascular phenotype. Identifiers: MedGen CN230736.

gnomAD v4.1: 3 of 1,614,104 alleles (0.00019%); highest among the groups gnomAD compares: Admixed American, 0.0017%; no homozygotes.

Submissions (2):

Molecular Diagnostic Laboratory for Inherited Cardiovascular Disease, Montreal Heart Institute
Classification: Uncertain significance for Cardiovascular phenotype. Last evaluated: 2026-03-27. Review status: criteria provided, single submitter. Criteria: ACMG Guidelines, 2015. Collection method: clinical testing. Allele origin: germline. Affected: yes.
Comment: PM2

Blueprint Genetics
Classification: Uncertain significance. Last evaluated: 2024-11-04. Review status: criteria provided, single submitter. Criteria: ACMG Guidelines, 2015. Collection method: clinical testing. Allele origin: germline.

NM_198060.4(NRAP):c.2306C>T (p.Pro769Leu)

Gene: NRAP (nebulin related anchoring protein; minus strand). Cytogenetic location: 10q25.3.
Variant type: single nucleotide variant.
Coding change: c.2306C>T on transcript NM_198060.4 (MANE Select); coding-DNA position 2306, C replaced by T.
Protein change: p.Pro769Leu; replaces proline 769 with leucine.
Molecular consequence: missense variant.
Genome position (GRCh38, 1-based): chr10:113,624,869, G>A on the plus strand (C>T on the coding strand, the complement: NRAP is on the minus strand). VCF-style: chr10-113624869-G-A. GRCh37 (hg19) VCF-style: chr10-115384628-G-A.
Other names: c.2306C>T, p.Pro769Leu (NM_001261463.2, NM_001322945.2); c.2201C>T, p.Pro734Leu (NM_006175.5); short protein forms P734L, P769L.
Identifiers: ClinVar variation 4820425 (VCV004820425.2), dbSNP rs2493526448.